The following is an entry in ClinVar:

NM_000428.3(LTBP2):c.890C>T (p.Thr297Ile)

Gene: LTBP2 (latent transforming growth factor beta binding protein 2; minus strand). Cytogenetic location: 14q24.3.
Variant type: single nucleotide variant.
Coding change: c.890C>T on transcript NM_000428.3 (MANE Select); coding-DNA position 890, C replaced by T.
Protein change: p.Thr297Ile; replaces threonine 297 with isoleucine.
Molecular consequence: missense variant.
Genome position (GRCh38, 1-based): chr14:74,555,634, G>A on the plus strand (C>T on the coding strand, the complement: LTBP2 is on the minus strand). VCF-style: chr14-74555634-G-A. GRCh37 (hg19) VCF-style: chr14-75022337-G-A.
Other names: c.890C>T (NM_000428.2); short protein forms T297I.
Identifiers: ClinVar variation 1427878 (VCV001427878.6), dbSNP rs558378739, ClinGen allele CA7270054.

ClinVar aggregate classification (germline): Uncertain significance. Review status: criteria provided, multiple submitters, no conflicts (2 of 4 stars). 2 submissions from 2 submitters: Uncertain significance (2). Last evaluated 2025-07-16.

Conditions:
Inborn genetic diseases. Identifiers: MedGen C0950123, MeSH D030342.

Allele frequency attached by ClinVar (database versions not stated): gnomAD 0.00004 and 0.00005; TOPMed 0.00011; 1000 Genomes Project 30x 0.00016; 1000 Genomes Project 0.00020.
gnomAD v4.1: 9 of 1,599,186 alleles (0.00056%); highest among the groups gnomAD compares: Admixed American, 0.0085%; no homozygotes.

Submissions (2):

Ambry Genetics
Classification: Uncertain significance for Inborn genetic diseases. Last evaluated: 2025-07-16. Review status: criteria provided, single submitter. Criteria: Ambry Variant Classification Scheme 2023. Collection method: clinical testing. Allele origin: germline.

Labcorp Genetics (formerly Invitae), Labcorp
Classification: Uncertain significance. Last evaluated: 2023-11-14. Review status: criteria provided, single submitter. Criteria: Invitae Variant Classification Sherloc (09022015). Collection method: clinical testing. Allele origin: germline.
Comment: This sequence change replaces threonine, which is neutral and polar, with isoleucine, which is neutral and non-polar, at codon 297 of the LTBP2 protein (p.Thr297Ile). This variant is present in population databases (rs558378739, gnomAD 0.007%). This variant has not been reported in the literature in individuals affected with LTBP2-related conditions. ClinVar contains an entry for this variant (Variation ID: 1427878). An algorithm developed to predict the effect of missense changes on protein structure and function (PolyPhen-2) suggests that this variant is likely to be disruptive. In summary, the available evidence is currently insufficient to determine the role of this variant in disease. Therefore, it has been classified as a Variant of Uncertain Significance.